The following is an entry in ClinVar:

ClinVar aggregate classification (germline): Conflicting classifications of pathogenicity. Review status: criteria provided, conflicting classifications (1 of 4 stars). 6 submissions from 6 submitters: Uncertain significance (3); Likely benign (3). Last evaluated 2026-10-01.

Conditions:
Inborn genetic diseases. Identifiers: MedGen C0950123, MeSH D030342.
Schaaf-Yang syndrome (SHFYNG). Also called: MAGEL2-related Prader-Willi-like syndrome; Arthrogryposis, distal, with hypopituitarism, intellectual disability, and facial anomalies. Identifiers: Orphanet 398069, MedGen C5575066, MONDO:0014243, OMIM 615547.

Allele frequency attached by ClinVar (database versions not stated): gnomAD exomes 0.00008 and 0.00014; ExAC 0.00021; gnomAD 0.00283.
gnomAD v4.1: 396 of 1,453,590 alleles (0.027%); highest among the groups gnomAD compares: African/African-American, 0.42%; 1 homozygote.

Submissions (6):

CeGaT Center for Human Genetics Tuebingen
Classification: Likely benign. Last evaluated: 2026-10-01. Review status: criteria provided, single submitter. Criteria: CeGaT Center For Human Genetics Tuebingen Variant Classification Criteria Version 2. Collection method: clinical testing. Allele origin: germline. Affected: yes. Observed: 8 variant alleles.
Comment: MAGEL2: BS1

Labcorp Genetics (formerly Invitae), Labcorp
Classification: Uncertain significance. Last evaluated: 2025-11-25. Review status: criteria provided, single submitter. Criteria: Invitae Variant Classification Sherloc (09022015). Collection method: clinical testing. Allele origin: germline.
Comment: This sequence change replaces valine, which is neutral and non-polar, with alanine, which is neutral and non-polar, at codon 180 of the MAGEL2 protein (p.Val180Ala). The frequency data for this variant in the population databases is considered unreliable, as metrics indicate poor data quality at this position in the gnomAD database. This variant has not been reported in the literature in individuals affected with MAGEL2-related conditions. ClinVar contains an entry for this variant (Variation ID: 1319713). An algorithm developed to predict the effect of missense changes on protein structure and function outputs the following: PolyPhen-2: "Not Available". The alanine amino acid residue is found in multiple mammalian species, which suggests that this missense change does not adversely affect protein function. In summary, the available evidence is currently insufficient to determine the role of this variant in disease. Therefore, it has been classified as a Variant of Uncertain Significance.

Blueprint Genetics
Classification: Uncertain significance. Last evaluated: 2024-09-09. Review status: criteria provided, single submitter. Criteria: ACMG Guidelines, 2015. Collection method: clinical testing. Allele origin: germline.

Ambry Genetics
Classification: Likely benign for Inborn genetic diseases. Last evaluated: 2022-06-03. Review status: criteria provided, single submitter. Criteria: Ambry Variant Classification Scheme 2023. Collection method: clinical testing. Allele origin: germline.

Institute for Clinical Genetics, University Hospital TU Dresden, University Hospital TU Dresden
Classification: Likely benign. Last evaluated: 2021-11-03. Review status: criteria provided, single submitter. Criteria: ACMG Guidelines, 2015. Collection method: clinical testing. Allele origin: germline.

Revvity Omics, Revvity
Classification: Uncertain significance for Schaaf-Yang syndrome. Last evaluated: 2019-09-09. Review status: criteria provided, single submitter. Criteria: ACMG Guidelines, 2015. Collection method: clinical testing. Allele origin: germline.

NM_019066.5(MAGEL2):c.539T>C (p.Val180Ala)

Gene: MAGEL2 (MAGE family member L2; minus strand). Cytogenetic location: 15q11.2.
Variant type: single nucleotide variant.
Coding change: c.539T>C on transcript NM_019066.5 (MANE Select); coding-DNA position 539, T replaced by C.
Protein change: p.Val180Ala; replaces valine 180 with alanine.
Molecular consequence: missense variant.
Genome position (GRCh38, 1-based): chr15:23,647,204, A>G on the plus strand (T>C on the coding strand, the complement: MAGEL2 is on the minus strand). VCF-style: chr15-23647204-A-G. GRCh37 (hg19) VCF-style: chr15-23892351-A-G.
Other names: short protein forms V180A.
Identifiers: ClinVar variation 1319713 (VCV001319713.36), dbSNP rs58729661, ClinGen allele CA7430105.